The following is an entry in ClinVar:

NM_052947.4(ALPK2):c.3774G>C (p.Glu1258Asp)

Genes: ALPK2 (alpha kinase 2; minus strand), LOC126862764 (BRD4-independent group 4 enhancer GRCh37_chr18:56202574-56203773; plus strand). Cytogenetic location: 18q21.31.
Variant type: single nucleotide variant.
Coding change: c.3774G>C on transcript NM_052947.4 (MANE Select); coding-DNA position 3774, G replaced by C.
Protein change: p.Glu1258Asp; replaces glutamic acid 1258 with aspartic acid.
Molecular consequence: missense variant.
Genome position (GRCh38, 1-based): chr18:58,536,413, C>G on the plus strand (G>C on the coding strand, the complement: ALPK2 is on the minus strand). VCF-style: chr18-58536413-C-G. GRCh37 (hg19) VCF-style: chr18-56203645-C-G.
Other names: short protein forms E1258D.
Identifiers: ClinVar variation 2449256 (VCV002449256.2), dbSNP rs2518875968, ClinGen allele CA402565684.

ClinVar aggregate classification (germline): Uncertain significance (1 of 4 stars; one submission).

Submission:

Ambry Genetics
Classification: Uncertain significance. Last evaluated: 2023-01-08. Review status: criteria provided, single submitter. Criteria: Ambry Variant Classification Scheme 2023. Collection method: clinical testing. Allele origin: germline.
Comment: The p.E1258D variant (also known as c.3774G>C), located in coding exon 4 of the ALPK2 gene, results from a G to C substitution at nucleotide position 3774. The glutamic acid at codon 1258 is replaced by aspartic acid, an amino acid with highly similar properties. This amino acid position is conserved. In addition, this alteration is predicted to be tolerated by in silico analysis. Since supporting evidence is limited at this time, the clinical significance of this alteration remains unclear.